The following is an entry in ClinVar:

ClinVar aggregate classification (germline): Pathogenic. Review status: reviewed by expert panel (3 of 4 stars). 4 submissions from 4 submitters: Pathogenic (1). 3 of the submissions do not count toward it. Last evaluated 2016-10-18.

Conditions:
Hereditary breast ovarian cancer syndrome. Also called: Hereditary breast and ovarian cancer syndrome (HBOC); Breast and ovarian cancer; Hereditary breast and ovarian cancer syndrome; Hereditary breast and ovarian cancer; BRCA1- and BRCA2-Associated Hereditary Breast and Ovarian Cancer; Hereditary breast and/or ovarian cancer syndrome. Identifiers: Orphanet 145, MedGen C0677776, MeSH D061325, MONDO:0003582. Disease mechanism: loss of function.
Breast-ovarian cancer, familial, susceptibility to, 1 (BROVCA1). Also called: BRCA1 Hereditary Breast and Ovarian Cancer; OVARIAN CANCER, SUSCEPTIBILITY TO. Identifiers: Orphanet 145, MedGen C2676676, MONDO:0011450, OMIM 604370. Disease mechanism: loss of function.

Submissions (4):

Evidence-based Network for the Interpretation of Germline Mutant Alleles (ENIGMA)
Classification: Pathogenic for Breast-ovarian cancer, familial, susceptibility to, 1. Last evaluated: 2016-10-18. Review status: reviewed by expert panel. Criteria: ENIGMA BRCA1/2 Classification Criteria (2015). Collection method: curation. Allele origin: germline.
Comment: Variant allele predicted to encode a truncated non-functional protein.

Women's Health and Genetics/Laboratory Corporation of America, LabCorp
Classification: Likely pathogenic for Hereditary breast and ovarian cancer syndrome. Last evaluated: 2017-10-30. Review status: criteria provided, single submitter. Criteria: LabCorp Variant Classification Summary - May 2015. Collection method: clinical testing. Allele origin: germline. Not counted in ClinVar's aggregate classification.
Comment: Variant summary: The BRCA1 c.2429dupA (p.Asn810LysfsX13) variant results in a premature termination codon, predicted to cause a truncated or absent BRCA1 protein due to nonsense mediated decay, which are commonly known mechanisms for disease. Truncations downstream of this position have been classified as pathogenic by our laboratory (e.g. c.2515delC/ p.His839fsX7, c.2766delA/ p.Val923fsX77, etc). One in silico tool predicts a damaging outcome for this variant. This variant is absent in 245390 control chromosomes. In addition, multiple clinical diagnostic laboratories/reputable databases classified this variant as pathogenic. The variant of interest has not, to our knowledge, been reported in affected individuals via publications; nor evaluated for functional impact by in vivo/vitro studies. Taken together, this variant is classified as likely pathogenic.

Labcorp Genetics (formerly Invitae), Labcorp
Classification: Pathogenic for Hereditary breast ovarian cancer syndrome. Last evaluated: 2017-02-07. Review status: criteria provided, single submitter. Criteria: Invitae Variant Classification Sherloc (09022015). Collection method: clinical testing. Allele origin: germline. Not counted in ClinVar's aggregate classification.
Comment: For these reasons, this variant has been classified as Pathogenic. While this particular variant has not been reported in the literature, loss-of-function variants in BRCA1 are known to be pathogenic (PMID: 20104584). ClinVar contains an entry for this variant (Variation ID: 266262). This sequence change inserts 1 nucleotide in exon 10 of the BRCA1 mRNA (c.2429dupA), causing a frameshift at codon 810. This creates a premature translational stop signal (p.Asn810Lysfs*13) and is expected to result in an absent or disrupted protein product.

Consortium of Investigators of Modifiers of BRCA1/2 (CIMBA), c/o University of Cambridge
Classification: Pathogenic for Breast-ovarian cancer, familial, susceptibility to, 1. Last evaluated: 2015-10-02. Review status: criteria provided, single submitter. Criteria: CIMBA Mutation Classification guidelines May 2016. Collection method: clinical testing. Allele origin: germline. Not counted in ClinVar's aggregate classification.

Literature cited by the submitters: PubMed 20104584 (cited by Labcorp Genetics (formerly Invitae), Labcorp).

NM_007294.4(BRCA1):c.2429dup (p.Asn810fs)

Gene: BRCA1 (BRCA1 DNA repair associated; minus strand). Cytogenetic location: 17q21.31.
Variant type: Duplication.
Coding change: c.2429dup on transcript NM_007294.4 (MANE Select); coding-DNA position 2429, one base duplicated (A; older notation c.2429dupA).
Protein change: p.Asn810fs; shifts the reading frame from asparagine 810.
Molecular consequence: frameshift variant. On other transcripts: intron variant (137).
Genome position (GRCh38, 1-based): chr17:43,093,102, T duplicated on the plus strand (A on the coding strand, the reverse complement: BRCA1 is on the minus strand); the first of 4 consecutive T bases (chr17:43,093,102-43,093,105); duplicating any one gives the same sequence. VCF-style (leftmost placement, unchanged base first): chr17-43093101-G-GT. GRCh37 (hg19) VCF-style: chr17-41245118-G-GT.
Other names: 2548insA; c.2429dupA (NM_007294.3); c.2216dup, p.Asn739fs (NM_001407571.1, NM_001407853.1, NM_001407894.1 and 9 more transcripts); c.2429dup, p.Asn810fs (NM_001407581.1, NM_001407582.1, NM_001407583.1 and 30 more transcripts); c.2426dup, p.Asn809fs (NM_001407587.1, NM_001407590.1, NM_001407591.1 and 22 more transcripts); c.2420dup, p.Asn807fs (NM_001407646.1, NM_001407647.1); c.2306dup, p.Asn769fs (NM_001407648.1, NM_001407664.1, NM_001407665.1 and 19 more transcripts); c.2303dup, p.Asn768fs (NM_001407649.1, NM_001407670.1, NM_001407685.1 and 11 more transcripts); and 43 more; short protein forms N763fs, N810fs, N698fs, N739fs, N783fs, N784fs, N514fs, N682fs.
Identifiers: ClinVar variation 266262 (VCV000266262.11), dbSNP rs397508967, ClinGen allele CA10589852.